The following is an entry in ClinVar:

ClinVar aggregate classification (germline): Conflicting classifications of pathogenicity. Review status: criteria provided, conflicting classifications (1 of 4 stars). 2 submissions from 2 submitters: Uncertain significance (1); Likely benign (1). Last evaluated 2025-05-27.

Conditions:
Inborn genetic diseases. Identifiers: MedGen C0950123, MeSH D030342.
Developmental and epileptic encephalopathy, 27 (DEE27). Also called: GRIN2B-Related Neurodevelopmental Disorder; Epileptic encephalopathy, early infantile, 27. Identifiers: Orphanet 3451, MedGen C4015316, MONDO:0014505, OMIM 616139.
Intellectual developmental disorder, autosomal dominant 6, with or without seizures. Also called: Intellectual disability, autosomal dominant 6; GRIN2B-related developmental delay, intellectual disability and autism spectrum disorder. Identifiers: Orphanet 589547, MedGen C3151411, MONDO:0013509, OMIM 613970.

Allele frequency attached by ClinVar (database versions not stated): ExAC 0.00002; gnomAD exomes 0.00001; gnomAD 0.00002; TOPMed below 0.00001.
gnomAD v4.1: 13 of 1,613,106 alleles (0.00081%); highest among the groups gnomAD compares: East Asian, 0.0022%; no homozygotes.

Submissions (2):

Labcorp Genetics (formerly Invitae), Labcorp
Classification: Uncertain significance for Developmental and epileptic encephalopathy, 27; Intellectual developmental disorder, autosomal dominant 6, with or without seizures. Last evaluated: 2025-05-27. Review status: criteria provided, single submitter. Criteria: Invitae Variant Classification Sherloc (09022015). Collection method: clinical testing. Allele origin: germline.
Comment: This sequence change replaces methionine, which is neutral and non-polar, with valine, which is neutral and non-polar, at codon 860 of the GRIN2B protein (p.Met860Val). This variant is present in population databases (rs765724909, gnomAD 0.007%). This variant has not been reported in the literature in individuals affected with GRIN2B-related conditions. ClinVar contains an entry for this variant (Variation ID: 1793329). Invitae Evidence Modeling of protein sequence and biophysical properties (such as structural, functional, and spatial information, amino acid conservation, physicochemical variation, residue mobility, and thermodynamic stability) indicates that this missense variant is not expected to disrupt GRIN2B protein function with a negative predictive value of 95%. In summary, the available evidence is currently insufficient to determine the role of this variant in disease. Therefore, it has been classified as a Variant of Uncertain Significance.

Ambry Genetics
Classification: Likely benign for Inborn genetic diseases. Last evaluated: 2018-08-09. Review status: criteria provided, single submitter. Criteria: Ambry Variant Classification Scheme 2023. Collection method: clinical testing. Allele origin: germline.

NM_000834.5(GRIN2B):c.2578A>G (p.Met860Val)

Gene: GRIN2B (glutamate ionotropic receptor NMDA type subunit 2B; minus strand). Cytogenetic location: 12p13.1.
Variant type: single nucleotide variant.
Coding change: c.2578A>G on transcript NM_000834.5 (MANE Select); coding-DNA position 2578, A replaced by G.
Protein change: p.Met860Val; replaces methionine 860 with valine.
Molecular consequence: missense variant.
Genome position (GRCh38, 1-based): chr12:13,567,045, T>C on the plus strand (A>G on the coding strand, the complement: GRIN2B is on the minus strand). VCF-style: chr12-13567045-T-C. GRCh37 (hg19) VCF-style: chr12-13719979-T-C.
Other names: c.2578A>G, p.Met860Val (NM_001413992.1); short protein forms M860V.
Identifiers: ClinVar variation 1793329 (VCV001793329.7), dbSNP rs765724909, ClinGen allele CA6461040.
Genomic context (GRCh38, chr12:13,567,045, plus strand): 5'-GTCCCTAACAAGCTTTAGGCATTTAAATCAAAACACTTACTCTGCTGATGGAGAAGACCA[T>C]GCCAGGCTTGCCAGAACAGACACCCATAAAGCAATGTCGGAACTGCCAATAGAAAAGGTG-3'
Protein context (NP_000825.2, residues 850-870): FMGVCSGKPG[Met860Val]VFSISRGIYS